The following is an entry in ClinVar:

ClinVar aggregate classification (germline): Benign/Likely benign. Review status: criteria provided, multiple submitters, no conflicts (2 of 4 stars). 3 submissions from 3 submitters: Benign (2); Likely benign (1). Last evaluated 2026-02-02.

Conditions:
Pheochromocytoma. Also called: MAX-Related Hereditary Paraganglioma-Pheochromocytoma Syndrome. Identifiers: Orphanet 29072, MedGen C0031511, MONDO:0008233, OMIM 171300, HP:0002666.
Pheochromocytoma/paraganglioma syndrome 4. Also called: CAROTID BODY TUMORS AND MULTIPLE EXTRAADRENAL PHEOCHROMOCYTOMAS; PARAGANGLIOMA, FAMILIAL MALIGNANT; PARAGANGLIOMAS, HEREDITARY EXTRAADRENAL; PHEOCHROMOCYTOMA, FAMILIAL EXTRAADRENAL; Paragangliomas 4; SDHB-Related Hereditary Paraganglioma-Pheochromocytoma Syndrome (Paragangliomas 4). Identifiers: Orphanet 29072, MedGen C1861848, MONDO:0007273, OMIM 115310.
Gastrointestinal stromal tumor. Also called: Gastrointestinal stromal tumor, somatic; Gastrointestinal stroma tumor. Identifiers: Orphanet 44890, MedGen C0238198, MeSH D046152, MONDO:0011719, OMIM 606764, HP:0100723.
Hereditary cancer-predisposing syndrome. Also called: Neoplastic Syndromes, Hereditary; Tumor predisposition; Hereditary Cancer Syndrome; Hereditary neoplastic syndrome. Identifiers: Orphanet 140162, MedGen C0027672, MeSH D009386, MONDO:0015356.

Submissions (3):

Labcorp Genetics (formerly Invitae), Labcorp
Classification: Likely benign for Gastrointestinal stromal tumor; Pheochromocytoma/paraganglioma syndrome 4; Pheochromocytoma. Last evaluated: 2026-02-02. Review status: criteria provided, single submitter. Criteria: Invitae Variant Classification Sherloc (09022015). Collection method: clinical testing. Allele origin: germline.

Myriad Genetics, Inc.
Classification: Benign for Pheochromocytoma/paraganglioma syndrome 4. Last evaluated: 2025-03-12. Review status: criteria provided, single submitter. Criteria: Myriad Autosomal Dominant, Autosomal Recessive and X-Linked Classification Criteria (2023). Collection method: clinical testing. Allele origin: unknown.
Comment: This variant is considered benign. This variant is intronic and is not expected to impact mRNA splicing.

Sema4
Classification: Benign for Hereditary cancer-predisposing syndrome. Last evaluated: 2022-01-03. Review status: criteria provided, single submitter. Criteria: Sema4 Curation Guidelines. Collection method: curation. Allele origin: germline.

NM_003000.3(SDHB):c.424-37TTC[11]

Gene: SDHB (succinate dehydrogenase complex iron sulfur subunit B; minus strand). Cytogenetic location: 1p36.13.
Variant type: Microsatellite.
Coding change: c.424-37TTC[11] on transcript NM_003000.3 (MANE Select); 11 copies in a row of the 3-base unit TTC starting at c.424-37; the reference has eight copies in a row; three copies, 9 bases duplicated.
Molecular consequence: intron variant.
Genome position (GRCh38, 1-based): chr1:17,027,879-17,027,887, GAAGAAGAA duplicated on the plus strand (TTCTTCTTC on the coding strand, the reverse complement: SDHB is on the minus strand); duplicating any 9 consecutive bases within chr1:17,027,879-17,027,902 gives the same sequence; the position shown is the placement nearest the transcript's 3' end. VCF-style (leftmost placement, unchanged base first): chr1-17027878-G-GGAAGAAGAA. GRCh37 (hg19) VCF-style: chr1-17354373-G-GGAAGAAGAA.
Identifiers: ClinVar variation 1629741 (VCV001629741.10), dbSNP rs34261028, ClinGen allele CA637819.